The following is an entry in ClinVar:

NM_001368809.2(AMPD2):c.8C>T (p.Ser3Phe)

Gene: AMPD2 (adenosine monophosphate deaminase 2; plus strand). Cytogenetic location: 1p13.3.
Variant type: single nucleotide variant.
Coding change: c.8C>T on transcript NM_001368809.2 (MANE Select); coding-DNA position 8, C replaced by T.
Protein change: p.Ser3Phe; replaces serine 3 with phenylalanine.
Molecular consequence: missense variant. On other transcripts: intron variant (1).
Genome position (GRCh38, 1-based): chr1:109,621,183, C>T. VCF-style: chr1-109621183-C-T. GRCh37 (hg19) VCF-style: chr1-110163805-C-T.
Other names: c.170C>T (NM_001257360.1, NM_004037.6); c.76C>T, p.Pro26Ser (NM_001308170.1); c.8C>T, p.Ser3Phe (NM_004037.9); c.10+905C>T (NM_139156.4); short protein forms P26S, S3F.
Identifiers: ClinVar variation 390606 (VCV000390606.9), dbSNP rs763310916, ClinGen allele CA992604.
Genomic context (GRCh38, chr1:109,621,183, plus strand): 5'-GCCCCAGCCGGTGCCGCTCAGACTCCCCCGCTGTCGCCGCCGTGGTCCCAGCCATGGCAT[C>T]CTATCCATCTGGCTCTGGCAAGCCCAAGGCCAAATATCCCTTTAAGAAGCGGGCCAGCCT-3'
Protein context (NP_001355738.1, residues 1-13): MA[Ser3Phe]YPSGSGKPKA

ClinVar aggregate classification (germline): Uncertain significance. Review status: criteria provided, multiple submitters, no conflicts (2 of 4 stars). 8 submissions from 7 submitters: Uncertain significance (7). 1 of the submissions does not count toward it. Last evaluated 2025-05-16.

Conditions:
Intellectual disability. Also called: Intellectual functioning disability; intellectual disabilities; Intellectual developmental disorder. Identifiers: MedGen C3714756, MeSH D008607, MONDO:0001071, HP:0001249.
Pontocerebellar hypoplasia type 9. Identifiers: Orphanet 369920, MedGen C4014354, MONDO:0014351, OMIM 615809.
Hereditary spastic paraplegia 63. Also called: Spastic paraplegia 63, autosomal recessive. Identifiers: Orphanet 401805, MedGen C3810295, MONDO:0014305, OMIM 615686.
Inborn genetic diseases. Identifiers: MedGen C0950123, MeSH D030342.

Allele frequency attached by ClinVar (database versions not stated): TOPMed 0.00014; gnomAD exomes 0.00015 and 0.00010; gnomAD 0.00011; ExAC 0.00015.
gnomAD v4.1: 173 of 1,604,890 alleles (0.011%); highest among the groups gnomAD compares: Middle Eastern, 0.28%; 1 homozygote.

Submissions (8):

Ambry Genetics
Classification: Uncertain significance for Inborn genetic diseases. Last evaluated: 2025-05-16. Review status: criteria provided, single submitter. Criteria: Ambry Variant Classification Scheme 2023. Collection method: clinical testing. Allele origin: germline.

Genome-Nilou Lab
Classification: Uncertain significance for Hereditary spastic paraplegia 63. Last evaluated: 2023-04-11. Review status: criteria provided, single submitter. Criteria: ACMG Guidelines, 2015. Collection method: clinical testing. Allele origin: germline. Affected: no.

Genome-Nilou Lab
Classification: Uncertain significance for Pontocerebellar hypoplasia type 9. Last evaluated: 2023-04-11. Review status: criteria provided, single submitter. Criteria: ACMG Guidelines, 2015. Collection method: clinical testing. Allele origin: germline. Affected: no.

Labcorp Genetics (formerly Invitae), Labcorp
Classification: Uncertain significance for Pontocerebellar hypoplasia type 9; Hereditary spastic paraplegia 63. Last evaluated: 2022-09-27. Review status: criteria provided, single submitter. Criteria: Invitae Variant Classification Sherloc (09022015). Collection method: clinical testing. Allele origin: germline.
Comment: This sequence change replaces serine, which is neutral and polar, with phenylalanine, which is neutral and non-polar, at codon 57 of the AMPD2 protein (p.Ser57Phe). This variant is present in population databases (rs763310916, gnomAD 0.03%). This variant has not been reported in the literature in individuals affected with AMPD2-related conditions. ClinVar contains an entry for this variant (Variation ID: 390606). Algorithms developed to predict the effect of missense changes on protein structure and function are either unavailable or do not agree on the potential impact of this missense change (SIFT: "Deleterious"; PolyPhen-2: "Benign"; Align-GVGD: "Class C0"). In summary, the available evidence is currently insufficient to determine the role of this variant in disease. Therefore, it has been classified as a Variant of Uncertain Significance.

Baylor Genetics
Classification: Uncertain significance for Hereditary spastic paraplegia 63. Last evaluated: 2018-01-25. Review status: criteria provided, single submitter. Criteria: ACMG Guidelines, 2015. Collection method: clinical testing. Allele origin: maternal. Affected: yes.
Comment: This variant was determined to be of uncertain significance according to ACMG Guidelines, 2015 [PMID:25741868].

GeneDx
Classification: Uncertain significance. Last evaluated: 2016-11-03. Review status: criteria provided, single submitter. Criteria: GeneDx Variant Classification (06012015). Collection method: clinical testing. Allele origin: germline. Affected: yes.
Comment: The S57F variant in the AMPD2 gene has not been reported previously as a pathogenic variant, nor as a benign variant, to our knowledge. This variant was not observed in approximately 6500 individuals of European and African American ancestry in the NHLBI Exome Sequencing Project, indicating it is not a common benign variant in these populations. The S57F variant is a non-conservative amino acid substitution, which is likely to impact secondary protein structure as these residues differ in polarity, charge, size and/or other properties. This substitution occurs at a position that is conserved across species. In silico analysis is inconsistent in its predictions as to whether or not the variant is damaging to the protein structure/function. We interpret S57F as a variant of uncertain significance.

Breakthrough Genomics
Classification: Uncertain significance. Review status: criteria provided, single submitter. Criteria: ACMG Guidelines, 2015. Collection method: not provided. Allele origin: germline. Inheritance: Autosomal recessive inheritance. Affected: yes.

Centre de Biologie Pathologie Génétique, Centre Hospitalier Universitaire de Lille
Classification: Uncertain significance for Intellectual disability. Last evaluated: 2019-01-01. Review status: no assertion criteria provided. Collection method: clinical testing. Allele origin: unknown. Affected: yes. Not counted in ClinVar's aggregate classification.